The following is an entry in ClinVar:

ClinVar aggregate classification (germline): Uncertain significance. Review status: criteria provided, multiple submitters, no conflicts (2 of 4 stars). 3 submissions from 3 submitters: Uncertain significance (2). 1 of the submissions does not count toward it. Last evaluated 2024-12-04.

Conditions:
Combined malonic and methylmalonic acidemia. Identifiers: Orphanet 289504, MedGen C3280314, MONDO:0013661, OMIM 614265.

Allele frequency attached by ClinVar (database versions not stated): TOPMed 0.00003; gnomAD 0.00005; ExAC 0.00097.

Submissions (3):

Labcorp Genetics (formerly Invitae), Labcorp
Classification: Uncertain significance for Combined malonic and methylmalonic acidemia. Last evaluated: 2024-12-04. Review status: criteria provided, single submitter. Criteria: Invitae Variant Classification Sherloc (09022015). Collection method: clinical testing. Allele origin: germline.
Comment: This sequence change replaces tryptophan, which is neutral and slightly polar, with cysteine, which is neutral and slightly polar, at codon 276 of the ACSF3 protein (p.Trp276Cys). This variant is present in population databases (rs570233664, gnomAD 0.01%). This variant has not been reported in the literature in individuals affected with ACSF3-related conditions. ClinVar contains an entry for this variant (Variation ID: 966604). Invitae Evidence Modeling of protein sequence and biophysical properties (such as structural, functional, and spatial information, amino acid conservation, physicochemical variation, residue mobility, and thermodynamic stability) has been performed for this missense variant. However, the output from this modeling did not meet the statistical confidence thresholds required to predict the impact of this variant on ACSF3 protein function. In summary, the available evidence is currently insufficient to determine the role of this variant in disease. Therefore, it has been classified as a Variant of Uncertain Significance.

Women's Health and Genetics/Laboratory Corporation of America, LabCorp
Classification: Uncertain significance. Last evaluated: 2022-03-09. Review status: criteria provided, single submitter. Criteria: LabCorp Variant Classification Summary - May 2015. Collection method: clinical testing. Allele origin: germline.
Comment: Variant summary: ACSF3 c.828G>T (p.Trp276Cys) results in a non-conservative amino acid change located in the AMP-dependent synthetase/ligase domain (IPR000873) of the encoded protein sequence. The variant allele was found at a frequency of 4.4e-05 in 225986 control chromosomes (gnomAD). This frequency is not higher than expected for a pathogenic variant in ACSF3 causing Combined Malonic and Methylmalonic Aciduria (4.4e-05 vs 0.0058), allowing no conclusion about variant significance. To our knowledge, no occurrence of c.828G>T in individuals affected with Combined Malonic and Methylmalonic Aciduria and no experimental evidence demonstrating its impact on protein function have been reported. One clinical diagnostic laboratory has submitted clinical-significance assessments for this variant to ClinVar after 2014 and classified the variant as uncertain significance. Based on the evidence outlined above, the variant was classified as uncertain significance.

Natera, Inc.
Classification: Uncertain significance for Combined malonic and methylmalonic aciduria. Last evaluated: 2021-09-22. Review status: no assertion criteria provided. Collection method: clinical testing. Allele origin: germline. Not counted in ClinVar's aggregate classification.

NM_001243279.3(ACSF3):c.828G>T (p.Trp276Cys)

Gene: ACSF3 (acyl-CoA synthetase family member 3; plus strand). Cytogenetic location: 16q24.3.
Variant type: single nucleotide variant.
Coding change: c.828G>T on transcript NM_001243279.3 (MANE Select); coding-DNA position 828, G replaced by T.
Protein change: p.Trp276Cys; replaces tryptophan 276 with cysteine.
Molecular consequence: missense variant. On other transcripts: non-coding transcript variant (3).
Genome position (GRCh38, 1-based): chr16:89,112,097, G>T. VCF-style: chr16-89112097-G-T. GRCh37 (hg19) VCF-style: chr16-89178505-G-T.
Other names: c.828G>T, p.Trp276Cys (NM_174917.5, NM_001127214.4); c.33G>T, p.Trp11Cys (NM_001284316.2); short protein forms W11C, W276C.
Identifiers: ClinVar variation 966604 (VCV000966604.8), dbSNP rs570233664, ClinGen allele CA8237858.
Genomic context (GRCh38, chr16:89,112,097, plus strand): 5'-CCACGGGCCCCAGTGCCTGCTCATCTTCCTACCGAGTGCTTCCTTTCCTTCGTAGGTTTG[G>T]GAAAAGTTCTTAAGTTCTGAAACGCCGCGGATCAATGTCTTTATGGCAGTGCCTACAATA-3'
Protein context (NP_001230208.1, residues 266-286): MMPEFSPQQV[Trp276Cys]EKFLSSETPR